The following is an entry in ClinVar:

NM_000059.4(BRCA2):c.6065C>G (p.Ser2022Ter)

Gene: BRCA2 (BRCA2 DNA repair associated; plus strand). Cytogenetic location: 13q13.1.
Variant type: single nucleotide variant.
Coding change: c.6065C>G on transcript NM_000059.4 (MANE Select); coding-DNA position 6065, C replaced by G.
Protein change: p.Ser2022Ter; replaces serine 2022 with a stop codon.
Molecular consequence: nonsense.
Genome position (GRCh38, 1-based): chr13:32,340,420, C>G. VCF-style: chr13-32340420-C-G. GRCh37 (hg19) VCF-style: chr13-32914557-C-G.
Other names: short protein forms S2022*.
Identifiers: ClinVar variation 51998 (VCV000051998.47), dbSNP rs80358843, ClinGen allele CA023591.

ClinVar aggregate classification (germline): Pathogenic. Review status: reviewed by expert panel (3 of 4 stars). 16 submissions from 16 submitters: Pathogenic (1). 15 of the submissions do not count toward it. Last evaluated 2016-09-08.

Conditions:
Hereditary breast ovarian cancer syndrome. Also called: Hereditary breast and ovarian cancer syndrome; Hereditary breast and ovarian cancer; Hereditary breast and ovarian cancer syndrome (HBOC); Breast and ovarian cancer; Hereditary breast and/or ovarian cancer syndrome; BRCA1- and BRCA2-Associated Hereditary Breast and Ovarian Cancer. Identifiers: Orphanet 145, MedGen C0677776, MeSH D061325, MONDO:0003582. Disease mechanism: loss of function.
Familial cancer of breast. Also called: BREAST CANCER, FAMILIAL; Hereditary breast cancer; hereditary breast carcinoma. Identifiers: Orphanet 227535, MedGen C0346153, MONDO:0016419, OMIM 114480. Disease mechanism: loss of function.
Inherited ovarian cancer (without breast cancer).
Hereditary cancer-predisposing syndrome. Also called: Neoplastic Syndromes, Hereditary; Tumor predisposition; Hereditary neoplastic syndrome; Hereditary Cancer Syndrome. Identifiers: Orphanet 140162, MedGen C0027672, MeSH D009386, MONDO:0015356.
Malignant tumor of breast. Also called: Malignant breast neoplasm; Cancer breast. Identifiers: MedGen C0006142, MONDO:0007254. Disease mechanism: loss of function.
Breast-ovarian cancer, familial, susceptibility to, 2 (BROVCA2). Also called: BRCA2 Hereditary Breast and Ovarian Cancer. Identifiers: Orphanet 145, MedGen C2675520, MONDO:0012933, OMIM 612555. Disease mechanism: loss of function.

Allele frequency attached by ClinVar (database versions not stated): ExAC 0.00001; gnomAD 0.00001; gnomAD exomes 0.00001 and below 0.00001; TOPMed 0.00001.
gnomAD v4.1: 8 of 1,613,622 alleles (0.0005%); highest among the groups gnomAD compares: Non-Finnish European, 0.00068%; no homozygotes.

Submissions 1 to 11 of 16:

Evidence-based Network for the Interpretation of Germline Mutant Alleles (ENIGMA)
Classification: Pathogenic for Breast-ovarian cancer, familial, susceptibility to, 2. Last evaluated: 2016-09-08. Review status: reviewed by expert panel. Criteria: ENIGMA BRCA1/2 Classification Criteria (2015). Collection method: curation. Allele origin: germline.
Comment: Variant allele predicted to encode a truncated non-functional protein.

Genetics Laboratory, Great Ormond Street Hospital NHS Foundation Trust, North Thames Genomic Laboratory Hub
Classification: Pathogenic for Inherited ovarian cancer (without breast cancer). Last evaluated: 2026-01-13. Review status: criteria provided, single submitter. Criteria: CanVIG BRCA Gene Specific V1.22. Collection method: clinical testing. Allele origin: germline. Affected: yes. Not counted in ClinVar's aggregate classification.
Comment: PS4_strong, PM2_supporting, PVS1_very-strong

Center for Genomic Medicine, Rigshospitalet, Copenhagen University Hospital
Classification: Pathogenic. Last evaluated: 2025-12-29. Review status: criteria provided, single submitter. Criteria: ACMG Guidelines, 2015. Collection method: clinical testing. Allele origin: germline. Not counted in ClinVar's aggregate classification.

Labcorp Genetics (formerly Invitae), Labcorp
Classification: Pathogenic for Hereditary breast ovarian cancer syndrome. Last evaluated: 2025-08-05. Review status: criteria provided, single submitter. Criteria: Invitae Variant Classification Sherloc (09022015). Collection method: clinical testing. Allele origin: germline. Not counted in ClinVar's aggregate classification.
Comment: This sequence change creates a premature translational stop signal (p.Ser2022*) in the BRCA2 gene. It is expected to result in an absent or disrupted protein product. Loss-of-function variants in BRCA2 are known to be pathogenic (PMID: 20104584). This variant is present in population databases (rs80358843, gnomAD 0.0009%). This premature translational stop signal has been observed in individual(s) with breast cancer (PMID: 10644434, 16140926, 27194814). This variant is also known as 6293C>G. ClinVar contains an entry for this variant (Variation ID: 51998). For these reasons, this variant has been classified as Pathogenic.

Ambry Genetics
Classification: Pathogenic for Hereditary cancer-predisposing syndrome. Last evaluated: 2025-07-24. Review status: criteria provided, single submitter. Criteria: Ambry Variant Classification Scheme 2023. Collection method: clinical testing. Allele origin: germline. Not counted in ClinVar's aggregate classification.
Comment: The p.S2022* pathogenic mutation (also known as c.6065C>G), located in coding exon 10 of the BRCA2 gene, results from a C to G substitution at nucleotide position 6065. This changes the amino acid from a serine to a stop codon within coding exon 10. This alteration is expected to result in loss of function by premature protein truncation or nonsense-mediated mRNA decay. As such, this alteration is interpreted as a disease-causing mutation.

GeneDx
Classification: Pathogenic. Last evaluated: 2025-04-18. Review status: criteria provided, single submitter. Criteria: GeneDx Variant Classification Process June 2021. Collection method: clinical testing. Allele origin: germline. Affected: yes. Not counted in ClinVar's aggregate classification.
Comment: Nonsense variant predicted to result in protein truncation or nonsense mediated decay in a gene for which loss-of-function is a known mechanism of disease; Not observed at significant frequency in large population cohorts (gnomAD); Observed in individuals with a personal or family history including breast cancer (PMID: 10899649, 11710835, 16140926, 22608084, 27194814, 28288110); Truncating variants in this gene are considered pathogenic by a well-established clinical consortium and/or database; Also known as 6293C>G; This variant is associated with the following publications: (PMID: 21702907, 10615237, 10899649, 27194814, 18298804, 11710835, 16140926, 22608084, 10644434, 28288110, 24094589, 29446198, 30720243, 25525159, 32885271, 33654310, 29922827, 34887416, 34326862)

Color Diagnostics, LLC DBA Color Health
Classification: Pathogenic for Hereditary cancer-predisposing syndrome. Last evaluated: 2024-09-05. Review status: criteria provided, single submitter. Criteria: ACMG Guidelines, 2015. Collection method: clinical testing. Allele origin: germline. Not counted in ClinVar's aggregate classification.
Comment: This variant changes 1 nucleotide in exon 11/27 of the BRCA2 gene, creating a premature translation stop signal. This variant is expected to result in an absent or non-functional protein product. This variant has been reported in several individuals and families affected with breast and/or ovarian cancer (PMID: 10615237, 10644434, 11710835, 16140926, 24094589, 27194814, 29446198) that included a family with three sisters all affected with bilateral breast cancer (PMID: 10899649). This variant has been detected in a breast cancer case-control meta-analysis in 0/60466 cases and 2/53461 unaffected individuals (PMID: 33471991; Leiden Open Variation Database DB-ID BRCA2_004881), and a multifactorial analysis has reported a likelihood ratio for pathogenicity based on personal and family history of 0.554 from log(LR)=-0.256848484 for 1 carrier (PMID: 31853058). This variant has been identified in 1/250946 chromosomes in the general population by the Genome Aggregation Database (gnomAD). Loss of BRCA2 function is a known mechanism of disease. Based on the available evidence, this variant is classified as Pathogenic.

Baylor Genetics
Classification: Pathogenic for Familial cancer of breast. Last evaluated: 2024-01-22. Review status: criteria provided, single submitter. Criteria: ACMG Guidelines, 2015. Collection method: clinical testing. Allele origin: unknown. Not counted in ClinVar's aggregate classification.

Clinical Genetics Laboratory, Skane University Hospital Lund
Classification: Pathogenic. Last evaluated: 2022-05-27. Review status: criteria provided, single submitter. Criteria: ACMG Guidelines, 2015. Collection method: clinical testing. Allele origin: germline. Affected: yes. Not counted in ClinVar's aggregate classification.

Laboratory for Molecular Medicine, Mass General Brigham Personalized Medicine
Classification: Pathogenic for Hereditary breast ovarian cancer syndrome. Last evaluated: 2020-06-19. Review status: criteria provided, single submitter. Criteria: ACMG Guidelines, 2015. Collection method: clinical testing. Allele origin: germline. Not counted in ClinVar's aggregate classification.
Comment: The p.Ser2022X (c.6065C>G; also reported as 6293C>G) variant in BRCA2 has been previously reported in >6 individuals with breast cancer and segregated in at least two affected relatives (Bosdet 2013 PMID 24094589, Jonson 2005 PMID 16140926, Lin 2019 PMID 30425037, Loman 2000 PMID 10899649, Rebbeck 2018 PMID 29446198, Staff 2001 PMID 11710835). This variant has also been identified in 1/113440 European chromosomes by gnomAD. In addition, this variant was classified as pathogenic on 9/8/2016 by the ClinGen-approved ENIGMA expert panel (Variation ID 51998). This nonsense variant leads to a premature termination codon at position 2022, which is predicted to lead to a truncated or absent protein. Loss of function of the BRCA2 gene is an established disease mechanism in autosomal dominant hereditary breast and ovarian cancer (HBOC). In summary, this variant meets criteria to be classified as pathogenic for autosomal dominant HBOC. ACMG/AMP Criteria applied: PVS1, PM2, PS4_Moderate.

Women's Health and Genetics/Laboratory Corporation of America, LabCorp
Classification: Pathogenic for Hereditary breast and ovarian cancer syndrome. Last evaluated: 2019-02-21. Review status: criteria provided, single submitter. Criteria: LabCorp Variant Classification Summary - May 2015. Collection method: clinical testing. Allele origin: germline. Not counted in ClinVar's aggregate classification.
Comment: Variant summary: BRCA2 c.6065C>G (p.Ser2022X) results in a premature termination codon, predicted to cause a truncation of the encoded protein or absence of the protein due to nonsense mediated decay, which are commonly known mechanisms for disease. Truncations downstream of this position have been classified as pathogenic by our laboratory (e.g. c.6079dupA, p.Arg2027fsX22; c.6270_6271delTA; p.His2090fsX9; c.6275_6276delTT, p.Leu2092fsX7). The variant allele was found at a frequency of 4.1e-06 in 245756 control chromosomes (gnomAD). c.6065C>G has been reported in the literature in individuals affected with Hereditary Breast and Ovarian Cancer (e.g. Loman 2000, Bosdet 2013, Lin 2019). These data indicate that the variant is likely to be associated with disease. To our knowledge, no experimental evidence demonstrating an impact on protein function has been reported. Four other clinical diagnostic laboratories have submitted clinical-significance assessments for this variant to ClinVar after 2014 without evidence for independent evaluation. All laboratories classified the variant as pathogenic. Based on the evidence outlined above, the variant was classified as pathogenic.